The following is an entry in ClinVar:

ClinVar aggregate classification (germline): Likely benign. Review status: criteria provided, multiple submitters, no conflicts (2 of 4 stars). 2 submissions from 2 submitters: Likely benign (2). Last evaluated 2025-11-06.

Allele frequency attached by ClinVar (database versions not stated): gnomAD 0.00001; TOPMed 0.00001; 1000 Genomes Project 30x 0.00016; 1000 Genomes Project 0.00020.
gnomAD v4.1: 11 of 1,610,976 alleles (0.00068%); highest among the groups gnomAD compares: Middle Eastern, 0.017%; no homozygotes.

Submissions (2):

Labcorp Genetics (formerly Invitae), Labcorp
Classification: Likely benign. Last evaluated: 2025-11-06. Review status: criteria provided, single submitter. Criteria: Invitae Variant Classification Sherloc (09022015). Collection method: clinical testing. Allele origin: germline.

CeGaT Center for Human Genetics Tuebingen
Classification: Likely benign. Last evaluated: 2024-12-01. Review status: criteria provided, single submitter. Criteria: CeGaT Center For Human Genetics Tuebingen Variant Classification Criteria Version 2. Collection method: clinical testing. Allele origin: germline. Affected: yes. Observed: 1 variant allele.
Comment: CLTC: BP4, BP7

NM_004859.4(CLTC):c.849C>T (p.His283=)

Gene: CLTC (clathrin heavy chain; plus strand). Cytogenetic location: 17q23.1.
Variant type: single nucleotide variant.
Coding change: c.849C>T on transcript NM_004859.4 (MANE Select); coding-DNA position 849, C replaced by T.
Protein change: p.His283=; no amino-acid change (histidine 283 retained).
Molecular consequence: synonymous variant.
Genome position (GRCh38, 1-based): chr17:59,655,907, C>T. VCF-style: chr17-59655907-C-T. GRCh37 (hg19) VCF-style: chr17-57733268-C-T.
Other names: c.861C>T, p.His287= (NM_001288653.2).
Identifiers: ClinVar variation 1911412 (VCV001911412.18), dbSNP rs187336326, ClinGen allele CA292141119.
Genomic context (GRCh38, chr17:59,655,907, plus strand): 5'-TCTGTAGATCAGTGAAAAGCATGATGTGGTGTTCTTGATAACCAAGTATGGTTATATCCA[C>T]CTCTATGATCTTGAGACTGGTACCTGCATCTACATGAATAGAATCAGTGGAGAAACAATT-3'
Protein context (NP_004850.1, residues 273-293): VFLITKYGYI[His283=]LYDLETGTCI